The following is an entry in ClinVar:

NM_001943.5(DSG2):c.2421G>T (p.Leu807=)

Genes: DSG2 (desmoglein 2; plus strand), DSG2-AS1 (DSG2 antisense RNA 1; minus strand). Cytogenetic location: 18q12.1.
Variant type: single nucleotide variant.
Coding change: c.2421G>T on transcript NM_001943.5 (MANE Select); coding-DNA position 2421, G replaced by T.
Protein change: p.Leu807=; no amino-acid change (leucine 807 retained).
Molecular consequence: synonymous variant. On other transcripts: non-coding transcript variant (1).
Genome position (GRCh38, 1-based): chr18:31,545,807, G>T. VCF-style: chr18-31545807-G-T. GRCh37 (hg19) VCF-style: chr18-29125770-G-T.
Identifiers: ClinVar variation 701002 (VCV000701002.17), dbSNP rs374775982, ClinGen allele CA045997.

ClinVar aggregate classification (germline): Likely benign. Review status: criteria provided, multiple submitters, no conflicts (2 of 4 stars). 5 submissions from 5 submitters: Likely benign (4). 1 of the submissions does not count toward it. Last evaluated 2023-10-27.

Conditions:
Arrhythmogenic right ventricular cardiomyopathy (ARVD). Also called: Arrhythmogenic cardiomyopathy; Cardiomyopathy, ARVC; Arrhythmogenic right ventricular dysplasia; Arrhythmogenic Right Ventricular Cardiomyopathy (ARVC). Identifiers: Orphanet 247, MedGen C0349788, MeSH D019571, MONDO:0016587. Disease mechanism: loss of function. Inheritance: Various modes of inheritance.
Cardiovascular phenotype. Identifiers: MedGen CN230736.
DSG2-related disorder. Also called: DSG2-related condition.
Cardiomyopathy (CMYO). Also called: Cardiomyopathies. Identifiers: Orphanet 167848, MedGen C0878544, MONDO:0004994, HP:0001638. Inheritance: Various modes of inheritance.
Arrhythmogenic right ventricular dysplasia 10. Also called: Arrhythmogenic Right Ventricular Dysplasia/Cardiomyopathy10; ARRHYTHMOGENIC RIGHT VENTRICULAR DYSPLASIA, FAMILIAL, 10; Arrhythmogenic right ventricular dysplasia/cardiomyopathy, type 10. Identifiers: MedGen C1857777, MONDO:0012434, OMIM 610193.

Allele frequency attached by ClinVar (database versions not stated): TOPMed below 0.00001; gnomAD exomes 0.00001 and 0.00003; ExAC 0.00005; ESP Exome Variant Server 0.00008.

Submissions (5):

All of Us Research Program, National Institutes of Health
Classification: Likely benign for Arrhythmogenic right ventricular cardiomyopathy. Last evaluated: 2023-10-27. Review status: criteria provided, single submitter. Criteria: ACMG Guidelines, 2015. Collection method: clinical testing. Allele origin: germline. Inheritance: Autosomal dominant inheritance. Observed: 2 variant alleles, 2 heterozygotes.
Comment: This study involves interpretation of variants in research participants for the purpose of population health screening. Participant phenotype was not available at the time of variant classification. Additional details can be found in publication PMID: 35346344, PMCID: PMC8962531

Labcorp Genetics (formerly Invitae), Labcorp
Classification: Likely benign for Arrhythmogenic right ventricular dysplasia 10. Last evaluated: 2023-02-08. Review status: criteria provided, single submitter. Criteria: Invitae Variant Classification Sherloc (09022015). Collection method: clinical testing. Allele origin: germline.

Color Diagnostics, LLC DBA Color Health
Classification: Likely benign for Cardiomyopathy. Last evaluated: 2020-01-15. Review status: criteria provided, single submitter. Criteria: ACMG Guidelines, 2015. Collection method: clinical testing. Allele origin: germline.

Ambry Genetics
Classification: Likely benign for Cardiovascular phenotype. Last evaluated: 2019-08-06. Review status: criteria provided, single submitter. Criteria: Ambry Variant Classification Scheme 2023. Collection method: clinical testing. Allele origin: germline.

PreventionGenetics, part of Exact Sciences
Classification: Likely benign for DSG2-related condition. Last evaluated: 2024-01-03. Review status: no assertion criteria provided. Collection method: clinical testing. Allele origin: germline. Not counted in ClinVar's aggregate classification.
Comment: This variant is classified as likely benign based on ACMG/AMP sequence variant interpretation guidelines (Richards et al. 2015 PMID: 25741868, with internal and published modifications).